The following is an entry in ClinVar:

NM_001378418.1(TCF20):c.2798_2799del (p.Asp932_Phe933insTer)

Gene: TCF20 (transcription factor 20; minus strand). Cytogenetic location: 22q13.2.
Variant type: Deletion.
Coding change: c.2798_2799del on transcript NM_001378418.1 (MANE Select); coding-DNA positions 2798 to 2799, 2 bases deleted (TT; older notation c.2798_2799delTT).
Protein change: p.Asp932_Phe933insTer.
Molecular consequence: nonsense.
Genome position (GRCh38, 1-based): chr22:42,212,507-42,212,508, AA deleted on the plus strand (TT on the coding strand, the reverse complement: TCF20 is on the minus strand); deleting any 2 consecutive bases within chr22:42,212,507-42,212,509 gives the same sequence; the c. name uses the placement nearest the transcript's 3' end. VCF-style (leftmost placement, unchanged base first): chr22-42212506-CAA-C. GRCh37 (hg19) VCF-style: chr22-42608512-CAA-C.
Other names: c.2798_2799del, p.Asp932_Phe933insTer (NM_005650.4, NM_181492.3).
Identifiers: ClinVar variation 4280634 (VCV004280634.1).

ClinVar aggregate classification (germline): Likely pathogenic (1 of 4 stars; one submission).

Conditions:
Developmental delay with variable intellectual impairment and behavioral abnormalities. Identifiers: MedGen C5193092, MONDO:0032745, OMIM 618430.

Submission:

Clinical Biomedical Laboratory, Shriners Hospital For Children - Canada
Classification: Likely pathogenic for Developmental delay with variable intellectual impairment and behavioral abnormalities. Last evaluated: 2025-10-05. Review status: criteria provided, single submitter. Criteria: ACMG Guidelines, 2015. Collection method: clinical testing. Allele origin: germline. Affected: yes.
Comment: This variant is predicted to introduce a premature termination codon into TCF20 and thereby lead to loss of function. Heterozygous loss of function variants in TCF20 are associated with ‘Developmental delay with variable intellectual impairment and behavioral abnormalities’ (PMID 30739909). This variant is absent from the Genome Aggregation Database (v2.1.1).

Literature cited by the submitters: PubMed 30739909.